The following is an entry in ClinVar:

NM_018684.4(ZC4H2):c.626A>G (p.Lys209Arg)

Gene: ZC4H2 (zinc finger C4H2-type containing; minus strand). Cytogenetic location: Xq11.2.
Variant type: single nucleotide variant.
Coding change: c.626A>G on transcript NM_018684.4 (MANE Select); coding-DNA position 626, A replaced by G.
Protein change: p.Lys209Arg; replaces lysine 209 with arginine.
Molecular consequence: missense variant. On other transcripts: non-coding transcript variant (1).
Genome position (GRCh38, 1-based): chrX:64,917,832, T>C on the plus strand (A>G on the coding strand, the complement: ZC4H2 is on the minus strand). VCF-style: chrX-64917832-T-C. GRCh37 (hg19) VCF-style: chrX-64137712-T-C.
Other names: NC_000023.10:g.64137712T>C; c.557A>G, p.Lys186Arg (NM_001178032.3, NM_001243804.2); c.463A>G, p.Arg155Gly (NM_001178033.3); short protein forms R155G, K186R, K209R.
Identifiers: ClinVar variation 4494995 (VCV004494995.3).
Genomic context (GRCh38, chrX:64,917,832, plus strand): 5'-TCTCCCTTTCTTTATTCATCCTGCTTCCGTTTCGGCTTTTTGGGGTTCCGGGACCGACTC[T>C]TGGCCTTGCAAAGAGGGCATATAGGTGCATTCCGGTGAATTTGCTGGTGACATGACAAGC-3'
Protein context (NP_061154.1, residues 199-219): NAPICPLCKA[Lys209Arg]SRSRNPKKPK

ClinVar aggregate classification (germline): Uncertain significance (1 of 4 stars; one submission).

Conditions:
Wieacker-Wolff syndrome. Also called: MENTAL RETARDATION, X-LINKED, WITH CONGENITAL CONTRACTURES AND LOW FINGERTIP ARCHES; Intellectual disability-developmental delay-contractures syndrome; APRAXIA, OCULOMOTOR, WITH CONGENITAL CONTRACTURES AND MUSCLE ATROPHY; CONTRACTURES OF FEET, MUSCLE ATROPHY, AND OCULOMOTOR APRAXIA; MENTAL RETARDATION, X-LINKED, SYNDROMIC 4; Miles-Carpenter syndrome. Identifiers: Orphanet 3454, Orphanet 85283, MedGen C0796200, MONDO:0010758, OMIM 314580.
Wieacker-Wolff syndrome, female-restricted (WRWFFR). Identifiers: MedGen C5393303, MONDO:0026762, OMIM 301041.

gnomAD v4.1: 1 of 1,211,288 alleles (0.000083%); highest among the groups gnomAD compares: Non-Finnish European, 0.00011%; no homozygotes.

Submissions (2):

Juno Genomics, Hangzhou Juno Genomics, Inc
Classification: Uncertain significance for Wieacker-Wolff syndrome; Wieacker-Wolff syndrome, female-restricted. Review status: criteria provided, single submitter. Criteria: ACMG Guidelines, 2015. Collection method: clinical testing. Allele origin: germline.
Comment: Absent from controls (or at extremely low frequency if recessive) in Genome Aggregation Database.

Dr. Peter K. Rogan Lab, Western University
No classification provided (evidence only). Condition: Thyroid cancer, nonmedullary, 1. Review status: no classification provided. Collection method: in vitro. Allele origin: not applicable. Functional consequence: retained intron. Not counted in ClinVar's aggregate classification.